The following is an entry in ClinVar:

NM_004714.3(DYRK1B):c.1518+10C>T

Gene: DYRK1B (dual specificity tyrosine phosphorylation regulated kinase 1B; minus strand). Cytogenetic location: 19q13.2.
Variant type: single nucleotide variant.
Coding change: c.1518+10C>T on transcript NM_004714.3 (MANE Select); 10 bases into the intron after coding-DNA position 1518, C replaced by T.
Molecular consequence: intron variant.
Genome position (GRCh38, 1-based): chr19:39,826,170, G>A on the plus strand (C>T on the coding strand, the complement: DYRK1B is on the minus strand). VCF-style: chr19-39826170-G-A. GRCh37 (hg19) VCF-style: chr19-40316810-G-A.
Other names: c.1398+10C>T (NM_006483.3); c.1434+10C>T (NM_006484.3).
Identifiers: ClinVar variation 5000288 (VCV005000288.1).

ClinVar aggregate classification (germline): Likely benign (1 of 4 stars; one submission).

Conditions:
DYRK1B-related disorder. Also called: DYRK1B-related condition.

Submission:

PreventionGenetics, part of Exact Sciences
Classification: Likely benign for DYRK1B-related condition. Last evaluated: 2025-07-02. Review status: criteria provided, single submitter. Criteria: ACMG Guidelines, 2015. Collection method: clinical testing. Allele origin: germline.
Comment: This variant is classified as likely benign based on ACMG/AMP sequence variant interpretation guidelines (Richards et al. 2015 PMID: 25741868, with internal and published modifications).